The following is an entry in ClinVar:

NM_001077365.2(POMT1):c.650T>G (p.Val217Gly)

Gene: POMT1 (protein O-mannosyltransferase 1; plus strand). Cytogenetic location: 9q34.13.
Variant type: single nucleotide variant.
Coding change: c.650T>G on transcript NM_001077365.2 (MANE Select); coding-DNA position 650, T replaced by G.
Protein change: p.Val217Gly; replaces valine 217 with glycine.
Molecular consequence: missense variant. On other transcripts: non-coding transcript variant (10).
Genome position (GRCh38, 1-based): chr9:131,509,947, T>G. VCF-style: chr9-131509947-T-G. GRCh37 (hg19) VCF-style: chr9-134385334-T-G.
Other names: c.488T>G, p.Val163Gly (NM_001077366.2, NM_001353194.2, NM_001353197.2 and 3 more transcripts); c.650T>G, p.Val217Gly (NM_001136113.2, NM_001353193.2, NM_001374690.1 and 1 more transcripts); c.299T>G, p.Val100Gly (NM_001136114.2, NM_001353195.2, NM_001353199.2 and 2 more transcripts); c.560T>G, p.Val187Gly (NM_001353196.2); c.194T>G, p.Val65Gly (NM_001353200.2, NM_001374695.1); short protein forms V217G, V163G, V187G, V100G, V65G.
Identifiers: ClinVar variation 1345865 (VCV001345865.6), dbSNP rs1364769689, ClinGen allele CA375307359.

ClinVar aggregate classification (germline): Uncertain significance (1 of 4 stars; one submission).

Conditions:
Walker-Warburg congenital muscular dystrophy. Also called: Muscular dystrophy-dystroglycanopathy, type A; Walker-Warburg syndrome. Identifiers: Orphanet 899, MedGen C0265221, MONDO:0000171.
Autosomal recessive limb-girdle muscular dystrophy type 2K. Also called: MUSCULAR DYSTROPHY, LIMB-GIRDLE, TYPE 2K; MUSCULAR DYSTROPHY-DYSTROGLYCANOPATHY (LIMB-GIRDLE), TYPE C, 1. Identifiers: Orphanet 86812, MedGen C1836373, MONDO:0012248, OMIM 609308.
Muscular dystrophy-dystroglycanopathy (congenital with impaired intellectual development), type B, 1. Also called: MUSCULAR DYSTROPHY, CONGENITAL, POMT1-RELATED; Muscular dystrophy-dystroglycanopathy (congenital with intellectual disability), type B1. Identifiers: MedGen C5436962, MONDO:0013159, OMIM 613155.

Allele frequency attached by ClinVar (database versions not stated): gnomAD 0.00001; TOPMed below 0.00001.
gnomAD v4.1: 1 of 1,614,124 alleles (0.000062%); highest among the groups gnomAD compares: Admixed American, 0.0017%; no homozygotes.

Submission:

Labcorp Genetics (formerly Invitae), Labcorp
Classification: Uncertain significance for Muscular dystrophy-dystroglycanopathy (congenital with impaired intellectual development), type B, 1; Walker-Warburg congenital muscular dystrophy; Autosomal recessive limb-girdle muscular dystrophy type 2K. Last evaluated: 2022-09-26. Review status: criteria provided, single submitter. Criteria: Invitae Variant Classification Sherloc (09022015). Collection method: clinical testing. Allele origin: germline.
Comment: In summary, the available evidence is currently insufficient to determine the role of this variant in disease. Therefore, it has been classified as a Variant of Uncertain Significance. Advanced modeling of protein sequence and biophysical properties (such as structural, functional, and spatial information, amino acid conservation, physicochemical variation, residue mobility, and thermodynamic stability) performed at Invitae indicates that this missense variant is not expected to disrupt POMT1 protein function. ClinVar contains an entry for this variant (Variation ID: 1345865). This variant has not been reported in the literature in individuals affected with POMT1-related conditions. This variant is not present in population databases (gnomAD no frequency). This sequence change replaces valine, which is neutral and non-polar, with glycine, which is neutral and non-polar, at codon 217 of the POMT1 protein (p.Val217Gly).